The following is an entry in ClinVar:

NM_000038.6(APC):c.2398G>T (p.Val800Phe)

Gene: APC (APC regulator of Wnt signaling pathway; plus strand). Cytogenetic location: 5q22.2.
Variant type: single nucleotide variant.
Coding change: c.2398G>T on transcript NM_000038.6 (MANE Select); coding-DNA position 2398, G replaced by T.
Protein change: p.Val800Phe; replaces valine 800 with phenylalanine.
Molecular consequence: missense variant.
Genome position (GRCh38, 1-based): chr5:112,837,992, G>T. VCF-style: chr5-112837992-G-T. GRCh37 (hg19) VCF-style: chr5-112173689-G-T.
Other names: c.2398G>T, p.Val800Phe (NM_001127510.3, NM_001354895.2, NM_001407450.1); c.2344G>T, p.Val782Phe (NM_001127511.3); c.2452G>T, p.Val818Phe (NM_001354896.2, NM_001407447.1, NM_001407448.1 and 1 more transcripts); c.2428G>T, p.Val810Phe (NM_001354897.2); c.2323G>T, p.Val775Phe (NM_001354898.2); c.2314G>T, p.Val772Phe (NM_001354899.2); c.2275G>T, p.Val759Phe (NM_001354900.2); c.2221G>T, p.Val741Phe (NM_001354901.2, NM_001407453.1); and 11 more; short protein forms V640F, V674F, V699F, V759F, V782F, V800F, V416F, V709F.
Identifiers: ClinVar variation 1790654 (VCV001790654.2), dbSNP rs1554084131, ClinGen allele CA16026603.

ClinVar aggregate classification (germline): Uncertain significance (1 of 4 stars; one submission).

Conditions:
Hereditary cancer-predisposing syndrome. Also called: Hereditary Cancer Syndrome; Hereditary neoplastic syndrome; Tumor predisposition; Neoplastic Syndromes, Hereditary. Identifiers: Orphanet 140162, MedGen C0027672, MeSH D009386, MONDO:0015356.

Submission:

Ambry Genetics
Classification: Uncertain significance for Hereditary cancer-predisposing syndrome. Last evaluated: 2022-01-19. Review status: criteria provided, single submitter. Criteria: Ambry Variant Classification Scheme 2023. Collection method: clinical testing. Allele origin: germline.
Comment: The p.V800F variant (also known as c.2398G>T), located in coding exon 15 of the APC gene, results from a G to T substitution at nucleotide position 2398. The valine at codon 800 is replaced by phenylalanine, an amino acid with highly similar properties. This amino acid position is conserved. In addition, in silico predictors for this gene do not accurately predict pathogenicity. Since supporting evidence is limited at this time, the clinical significance of this alteration remains unclear.